The following is an entry in ClinVar:

ClinVar aggregate classification (germline): Benign (1 of 4 stars; one submission).

Allele frequency attached by ClinVar (database versions not stated): 1000 Genomes Project 30x 0.00078; gnomAD 0.00129 and 0.00121; TOPMed 0.00158; 1000 Genomes Project 0.00100.

Submission:

GeneDx
Classification: Benign. Last evaluated: 2014-04-17. Review status: criteria provided, single submitter. Criteria: GeneDx Variant Classification (06012015). Collection method: clinical testing. Allele origin: germline. Affected: yes.
Comment: This variant is considered likely benign or benign based on one or more of the following criteria: it is a conservative change, it occurs at a poorly conserved position in the protein, it is predicted to be benign by multiple in silico algorithms, and/or has population frequency not consistent with disease.

NM_001386795.1(DTNA):c.-41G>C

Gene: DTNA (dystrobrevin alpha; plus strand). Cytogenetic location: 18q12.1.
Variant type: single nucleotide variant.
Coding change: c.-41G>C on transcript NM_001386795.1 (MANE Select); 41 bases upstream of the start codon, G replaced by C.
Molecular consequence: 5 prime UTR variant. On other transcripts: intron variant (24).
Genome position (GRCh38, 1-based): chr18:34,710,406, G>C. VCF-style: chr18-34710406-G-C. GRCh37 (hg19) VCF-style: chr18-32290370-G-C.
Other names: c.-41G>C (NM_001198941.2, NM_001386753.1, NM_001386758.1 and 9 more transcripts); c.-2+30814G>C (NM_032975.4, NM_001386761.1, NM_001386762.1 and 21 more transcripts).
Identifiers: ClinVar variation 137174 (VCV000137174.3), dbSNP rs540625328, ClinGen allele CA333067.